The following is an entry in ClinVar:

ClinVar aggregate classification (germline): Pathogenic (1 of 4 stars; one submission).

Submission:

Labcorp Genetics (formerly Invitae), Labcorp
Classification: Pathogenic. Last evaluated: 2024-08-17. Review status: criteria provided, single submitter. Criteria: Invitae Variant Classification Sherloc (09022015). Collection method: clinical testing. Allele origin: germline.
Comment: This sequence change creates a premature translational stop signal (p.Gln68*) in the YWHAG gene. While this is not anticipated to result in nonsense mediated decay, it is expected to disrupt the last 180 amino acid(s) of the YWHAG protein. This variant is not present in population databases (gnomAD no frequency). This variant has not been reported in the literature in individuals affected with YWHAG-related conditions. This variant disrupts a region of the YWHAG protein in which other variant(s) (p.Tyr216*) have been determined to be pathogenic (internal data). This suggests that this is a clinically significant region of the protein, and that variants that disrupt it are likely to be disease-causing. For these reasons, this variant has been classified as Pathogenic.

NM_012479.4(YWHAG):c.202C>T (p.Gln68Ter)

Gene: YWHAG (tyrosine 3-monooxygenase/tryptophan 5-monooxygenase activation protein gamma; minus strand). Cytogenetic location: 7q11.23.
Variant type: single nucleotide variant.
Coding change: c.202C>T on transcript NM_012479.4 (MANE Select); coding-DNA position 202, C replaced by T.
Protein change: p.Gln68Ter; replaces glutamine 68 with a stop codon.
Molecular consequence: nonsense.
Genome position (GRCh38, 1-based): chr7:76,330,119, G>A on the plus strand (C>T on the coding strand, the complement: YWHAG is on the minus strand). VCF-style: chr7-76330119-G-A. GRCh37 (hg19) VCF-style: chr7-75959436-G-A.
Other names: short protein forms Q68*.
Identifiers: ClinVar variation 3676386 (VCV003676386.2).